The following is an entry in ClinVar:

NM_001429.4(EP300):c.366C>G (p.Val122=)

Gene: EP300 (E1A binding protein p300; plus strand). Cytogenetic location: 22q13.2.
Variant type: single nucleotide variant.
Coding change: c.366C>G on transcript NM_001429.4 (MANE Select); coding-DNA position 366, C replaced by G.
Protein change: p.Val122=; no amino-acid change (valine 122 retained).
Molecular consequence: synonymous variant.
Genome position (GRCh38, 1-based): chr22:41,117,458, C>G. VCF-style: chr22-41117458-C-G. GRCh37 (hg19) VCF-style: chr22-41513462-C-G.
Other names: c.366C>G, p.Val122= (NM_001362843.2).
Identifiers: ClinVar variation 3358071 (VCV003358071.1).

ClinVar aggregate classification (germline): Likely benign (0 of 4 stars; one submission).

Conditions:
EP300-related disorder. Also called: EP300-related disorders; EP300-related condition.

Submission:

PreventionGenetics, part of Exact Sciences
Classification: Likely benign for EP300-related condition. Last evaluated: 2023-07-06. Review status: no assertion criteria provided. Collection method: clinical testing. Allele origin: germline.
Comment: This variant is classified as likely benign based on ACMG/AMP sequence variant interpretation guidelines (Richards et al. 2015 PMID: 25741868, with internal and published modifications).